The following is an entry in ClinVar:

NM_213599.3(ANO5):c.139-3410_294+336del

Gene: ANO5 (anoctamin 5; plus strand). Cytogenetic location: 11p14.3.
Variant type: Deletion.
Coding change: c.139-3410_294+336del on transcript NM_213599.3 (MANE Select); 3410 bases into the intron before coding-DNA position 139 through 336 bases into the intron after coding-DNA position 294, 6,711 bases deleted.
Molecular consequence: splice acceptor variant, splice donor variant.
Genome position (GRCh38, 1-based): chr11:22,214,836-22,221,546, 6,711 bases deleted. GRCh37 (hg19): chr11:22,236,382-22,243,092.
Other names: c.138+3522_252+336del (NM_001410963.1); c.136-3410_291+336del (NM_001142649.2); c.135+3522_249+336del (NM_001410964.1).
Identifiers: ClinVar variation 4070939 (VCV004070939.1).

ClinVar aggregate classification (germline): Uncertain significance (1 of 4 stars; one submission).

Conditions:
Limb-girdle muscular dystrophy (LGMD). Also called: Muscular Dystrophies, Limb-Girdle. Identifiers: Orphanet 263, MedGen C0686353, MeSH D049288, MONDO:0016971, HP:0006785.

Submission:

Broad Center for Mendelian Genomics, Broad Institute of MIT and Harvard
Classification: Uncertain significance for Limb-girdle muscular dystrophy. Last evaluated: 2025-07-21. Review status: criteria provided, single submitter. Criteria: ACMG/ClinGen CNV Guidelines, 2019. Collection method: clinical testing. Allele origin: unknown. Inheritance: Autosomal recessive inheritance. Affected: yes. Study: GREGoR Consortium.
Comment: A heterozygous deletion of exons 4-5 in ANO5 was identified by whole genome sequencing, in the compound heterozygous state, along with a pathogenic variant, in 1 individual with limb-girdle muscular dystrophy ([GRCh 38] chr11:22214836_22221546x1) by the Broad Institute Rare Genomes Project. The patient phenotype is highly specific, and consistent with what has been described in similar cases. This intragenic variant is not predicted to cause a frameshift, and is more likely to escape nonsense mediated decay (NMD) and result in a truncated protein. Loss of function of ANO5 is an established disease mechanism in autosomal recessive limb-girdle muscular dystrophy. The copy number loss has not been previously reported in individuals with limb-girdle muscular dystrophy, but has been reported in ClinVar (VCV000584414.1) and has been interpreted as likely pathogenic by LabCorp Genetics. This variant was absent from large population studies. In summary, while there is some suspicion for a pathogenic role, the clinical significance of this variant is uncertain. The ACMG/ClinGen evidence codes and points used in this curation are as follows: 1A: 0 points, 2E: 0.3 points, 3A: 0 points, 5A: 0.3 points; Total: 0.6 points; Riggs 2020 (PMID: 31690835).